The following is an entry in ClinVar:

ClinVar aggregate classification (germline): Uncertain significance. Review status: criteria provided, multiple submitters, no conflicts (2 of 4 stars). 4 submissions from 2 submitters: Uncertain significance (4). Last evaluated 2025-08-21.

Conditions:
Complement component 3 deficiency. Identifiers: Orphanet 280133, MedGen C3151071, MONDO:0013417, OMIM 613779.
Age related macular degeneration 9. Identifiers: MedGen C1969651, MONDO:0012659, OMIM 611378.
Atypical hemolytic-uremic syndrome with C3 anomaly. Also called: AHUS, SUSCEPTIBILITY TO, 5. Identifiers: Orphanet 2134, MedGen C2752037, MONDO:0013043, OMIM 612925.

Submissions (4):

Labcorp Genetics (formerly Invitae), Labcorp
Classification: Uncertain significance. Last evaluated: 2025-08-21. Review status: criteria provided, single submitter. Criteria: Invitae Variant Classification Sherloc (09022015). Collection method: clinical testing. Allele origin: germline.
Comment: This sequence change replaces glycine, which is neutral and non-polar, with tryptophan, which is neutral and slightly polar, at codon 1623 of the C3 protein (p.Gly1623Trp). This variant is not present in population databases (gnomAD no frequency). This variant has not been reported in the literature in individuals affected with C3-related conditions. ClinVar contains an entry for this variant (Variation ID: 1947324). Invitae Evidence Modeling of protein sequence and biophysical properties (such as structural, functional, and spatial information, amino acid conservation, physicochemical variation, residue mobility, and thermodynamic stability) indicates that this missense variant is expected to disrupt C3 protein function with a positive predictive value of 80%. In summary, the available evidence is currently insufficient to determine the role of this variant in disease. Therefore, it has been classified as a Variant of Uncertain Significance.

Baylor Genetics
Classification: Uncertain significance for Atypical hemolytic-uremic syndrome with C3 anomaly. Last evaluated: 2022-12-16. Review status: criteria provided, single submitter. Criteria: ACMG Guidelines, 2015. Collection method: clinical testing. Allele origin: unknown.

Baylor Genetics
Classification: Uncertain significance for Complement component 3 deficiency. Last evaluated: 2022-12-16. Review status: criteria provided, single submitter. Criteria: ACMG Guidelines, 2015. Collection method: clinical testing. Allele origin: unknown.

Baylor Genetics
Classification: Uncertain significance for Age related macular degeneration 9. Last evaluated: 2022-12-16. Review status: criteria provided, single submitter. Criteria: ACMG Guidelines, 2015. Collection method: clinical testing. Allele origin: unknown.

NM_000064.4(C3):c.4867G>T (p.Gly1623Trp)

Gene: C3 (complement C3; minus strand). Cytogenetic location: 19p13.3.
Variant type: single nucleotide variant.
Coding change: c.4867G>T on transcript NM_000064.4 (MANE Select); coding-DNA position 4867, G replaced by T.
Protein change: p.Gly1623Trp; replaces glycine 1623 with tryptophan.
Molecular consequence: missense variant.
Genome position (GRCh38, 1-based): chr19:6,678,007, C>A on the plus strand (G>T on the coding strand, the complement: C3 is on the minus strand). VCF-style: chr19-6678007-C-A. GRCh37 (hg19) VCF-style: chr19-6678018-C-A.
Other names: short protein forms G1623W.
Identifiers: ClinVar variation 1947324 (VCV001947324.6), dbSNP rs1727088882, ClinGen allele CA403610714.